The following is an entry in ClinVar:

NM_130810.4(DNAAF4):c.522A>T (p.Lys174Asn)

Genes: DNAAF4 (dynein axonemal assembly factor 4; minus strand), DNAAF4-CCPG1 (DNAAF4-CCPG1 readthrough (NMD candidate); minus strand). Cytogenetic location: 15q21.3.
Variant type: single nucleotide variant.
Coding change: c.522A>T on transcript NM_130810.4 (MANE Select); coding-DNA position 522, A replaced by T.
Protein change: p.Lys174Asn; replaces lysine 174 with asparagine.
Molecular consequence: missense variant. On other transcripts: non-coding transcript variant (1).
Genome position (GRCh38, 1-based): chr15:55,467,045, T>A on the plus strand (A>T on the coding strand, the complement: DNAAF4 is on the minus strand). VCF-style: chr15-55467045-T-A. GRCh37 (hg19) VCF-style: chr15-55759243-T-A.
Other names: c.522A>T, p.Lys174Asn (NM_001033559.3, NM_001033560.2); c.522A>T (NM_130810.3); short protein forms K174N.
Identifiers: ClinVar variation 1918501 (VCV001918501.4), dbSNP rs1039310047, ClinGen allele CA270807754.

ClinVar aggregate classification (germline): Uncertain significance. Review status: criteria provided, multiple submitters, no conflicts (2 of 4 stars). 3 submissions from 3 submitters: Uncertain significance (3). Last evaluated 2025-01-17.

Conditions:
Inborn genetic diseases. Identifiers: MedGen C0950123, MeSH D030342.

Allele frequency attached by ClinVar (database versions not stated): gnomAD 0.00001; gnomAD exomes 0.00001; TOPMed 0.00001.
gnomAD v4.1: 9 of 1,558,234 alleles (0.00058%); highest among the groups gnomAD compares: Admixed American, 0.0039%; no homozygotes.

Submissions (3):

Ambry Genetics
Classification: Uncertain significance for Inborn genetic diseases. Last evaluated: 2025-01-17. Review status: criteria provided, single submitter. Criteria: Ambry Variant Classification Scheme 2023. Collection method: clinical testing. Allele origin: germline.

Labcorp Genetics (formerly Invitae), Labcorp
Classification: Uncertain significance. Last evaluated: 2022-06-16. Review status: criteria provided, single submitter. Criteria: Invitae Variant Classification Sherloc (09022015). Collection method: clinical testing. Allele origin: germline.
Comment: This sequence change replaces lysine, which is basic and polar, with asparagine, which is neutral and polar, at codon 174 of the DNAAF4 protein (p.Lys174Asn). This variant is present in population databases (no rsID available, gnomAD 0.005%). This variant has not been reported in the literature in individuals affected with DNAAF4-related conditions. Algorithms developed to predict the effect of missense changes on protein structure and function are either unavailable or do not agree on the potential impact of this missense change (SIFT: "Deleterious"; PolyPhen-2: "Benign"; Align-GVGD: "Class C0"). In summary, the available evidence is currently insufficient to determine the role of this variant in disease. Therefore, it has been classified as a Variant of Uncertain Significance.

Blueprint Genetics
Classification: Uncertain significance. Last evaluated: 2021-12-17. Review status: criteria provided, single submitter. Criteria: ACMG Guidelines, 2015. Collection method: clinical testing. Allele origin: germline.